The following is an entry in ClinVar:

NM_000283.4(PDE6B):c.1505A>G (p.Tyr502Cys)

Gene: PDE6B (phosphodiesterase 6B; plus strand). Cytogenetic location: 4p16.3.
Variant type: single nucleotide variant.
Coding change: c.1505A>G on transcript NM_000283.4 (MANE Select); coding-DNA position 1505, A replaced by G.
Protein change: p.Tyr502Cys; replaces tyrosine 502 with cysteine.
Molecular consequence: missense variant.
Genome position (GRCh38, 1-based): chr4:660,504, A>G. VCF-style: chr4-660504-A-G. GRCh37 (hg19) VCF-style: chr4-654293-A-G.
Other names: c.1505A>G, p.Tyr502Cys (NM_001145291.2); c.668A>G, p.Tyr223Cys (NM_001145292.2, NM_001350154.3, NM_001379246.1 and 1 more transcripts); c.350A>G, p.Tyr117Cys (NM_001350155.3); short protein forms Y117C, Y223C, Y502C.
Identifiers: ClinVar variation 1500639 (VCV001500639.8), dbSNP rs2109242586, ClinGen allele CA355915861.

ClinVar aggregate classification (germline): Uncertain significance (1 of 4 stars; one submission).

Submission:

Labcorp Genetics (formerly Invitae), Labcorp
Classification: Uncertain significance. Last evaluated: 2020-11-16. Review status: criteria provided, single submitter. Criteria: Invitae Variant Classification Sherloc (09022015). Collection method: clinical testing. Allele origin: germline.
Comment: This variant has not been reported in the literature in individuals with PDE6B-related conditions. This sequence change replaces tyrosine with cysteine at codon 502 of the PDE6B protein (p.Tyr502Cys). The tyrosine residue is highly conserved and there is a large physicochemical difference between tyrosine and cysteine. This variant is not present in population databases (ExAC no frequency). Algorithms developed to predict the effect of missense changes on protein structure and function are either unavailable or do not agree on the potential impact of this missense change (SIFT: "Deleterious"; PolyPhen-2: "Probably Damaging"; Align-GVGD: "Class C0"). In summary, the available evidence is currently insufficient to determine the role of this variant in disease. Therefore, it has been classified as a Variant of Uncertain Significance.